The following is an entry in ClinVar:

NM_013352.4(DSE):c.1383T>A (p.Ala461=)

Gene: DSE (dermatan sulfate epimerase; plus strand). Cytogenetic location: 6q22.1.
Variant type: single nucleotide variant.
Coding change: c.1383T>A on transcript NM_013352.4 (MANE Select); coding-DNA position 1383, T replaced by A.
Protein change: p.Ala461=; no amino-acid change (alanine 461 retained).
Molecular consequence: synonymous variant. On other transcripts: 3 prime UTR variant (2), non-coding transcript variant (1).
Genome position (GRCh38, 1-based): chr6:116,435,851, T>A. VCF-style: chr6-116435851-T-A. GRCh37 (hg19) VCF-style: chr6-116757014-T-A.
Other names: p.Ala461=; c.1383T>A, p.Ala461= (NM_001080976.3, NM_001322937.2, NM_001322938.2); c.1440T>A, p.Ala480= (NM_001322939.2); c.822T>A, p.Ala274= (NM_001322940.2, NM_001322941.2); c.*248T>A (NM_001322943.2, NM_001322944.2); c.384T>A, p.Ala128= (NM_001374520.1); c.348T>A, p.Ala116= (NM_001374521.1); c.1383T>A (NM_013352.3).
Identifiers: ClinVar variation 1210976 (VCV001210976.16), dbSNP rs200485959, ClinGen allele CA3969661.
Genomic context (GRCh38, chr6:116,435,851, plus strand): 5'-AGGATGGAGAAATTTTAATGCAGGGCATGAACATCCTGATCAAAACTCATTTACTTTTGC[T>A]CCCAATGGTGTGCCTTTCATTACTGAGGCTCTGTACGGGCCAAAGTACACCTTCTTCAAC-3'
Protein context (NP_037484.1, residues 451-471): EHPDQNSFTF[Ala461=]PNGVPFITEA

ClinVar aggregate classification (germline): Likely benign. Review status: criteria provided, multiple submitters, no conflicts (2 of 4 stars). 6 submissions from 6 submitters: Likely benign (5). 1 of the submissions does not count toward it. Last evaluated 2026-07-01.

Conditions:
Ehlers-Danlos syndrome, musculocontractural type 2 (EDSMC2). Identifiers: Orphanet 2953, MedGen C3809845, MONDO:0014236, OMIM 615539.
DSE-related disorder. Also called: DSE-related condition.

Allele frequency attached by ClinVar (database versions not stated): ESP Exome Variant Server 0.00008; gnomAD 0.00011; 1000 Genomes Project 30x 0.00016; TOPMed 0.00016; gnomAD exomes 0.00018; 1000 Genomes Project 0.00020; ExAC 0.00027.
gnomAD v4.1: 302 of 1,614,190 alleles (0.019%); highest among the groups gnomAD compares: Non-Finnish European, 0.025%; 1 homozygote.

Submissions (6):

CeGaT Center for Human Genetics Tuebingen
Classification: Likely benign. Last evaluated: 2026-07-01. Review status: criteria provided, single submitter. Criteria: CeGaT Center For Human Genetics Tuebingen Variant Classification Criteria Version 2. Collection method: clinical testing. Allele origin: germline. Affected: yes. Observed: 1 variant allele.
Comment: DSE: BP4, BP7

Labcorp Genetics (formerly Invitae), Labcorp
Classification: Likely benign for Ehlers-Danlos syndrome, musculocontractural type 2. Last evaluated: 2025-08-29. Review status: criteria provided, single submitter. Criteria: Invitae Variant Classification Sherloc (09022015). Collection method: clinical testing. Allele origin: germline.

Women's Health and Genetics/Laboratory Corporation of America, LabCorp
Classification: Likely benign. Last evaluated: 2025-06-05. Review status: criteria provided, single submitter. Criteria: LabCorp Variant Classification Summary - May 2015. Collection method: clinical testing. Allele origin: germline.
Comment: Variant summary: DSE c.1383T>A alters a conserved nucleotide resulting in a synonymous change. Consensus agreement among computation tools predict no significant impact on normal splicing. However, these predictions have yet to be confirmed by functional studies. The variant allele was found at a frequency of 0.00018 in 251324 control chromosomes in the gnomAD database, including 1 homozygotes. This frequency is not significantly higher than estimated for a pathogenic variant in DSE causing Ehlers-Danlos syndrome, musculocontractural type 2 (0.00018 vs 0.0011), allowing no conclusion about variant significance. To our knowledge, no occurrence of c.1383T>A in individuals affected with Ehlers-Danlos syndrome, musculocontractural type 2 and no experimental evidence demonstrating its impact on protein function have been reported. ClinVar contains an entry for this variant (Variation ID: 1210976). Based on the evidence outlined above, the variant was classified as likely benign.

Mayo Clinic Laboratories, Mayo Clinic
Classification: Likely benign. Last evaluated: 2025-04-07. Review status: criteria provided, single submitter. Criteria: ACMG Guidelines, 2015. Collection method: clinical testing. Allele origin: germline. Observed: 2 variant alleles.
Comment: BP4, BP7

GeneDx
Classification: Likely benign. Last evaluated: 2018-10-18. Review status: criteria provided, single submitter. Criteria: GeneDx Variant Classification Process June 2021. Collection method: clinical testing. Allele origin: germline. Affected: yes.

PreventionGenetics, part of Exact Sciences
Classification: Likely benign for DSE-related condition. Last evaluated: 2022-06-02. Review status: no assertion criteria provided. Collection method: clinical testing. Allele origin: germline. Not counted in ClinVar's aggregate classification.
Comment: This variant is classified as likely benign based on ACMG/AMP sequence variant interpretation guidelines (Richards et al. 2015 PMID: 25741868, with internal and published modifications).